The following is an entry in ClinVar:

NM_000257.4(MYH7):c.647T>G (p.Leu216Arg)

Gene: MYH7 (myosin heavy chain 7; minus strand). Cytogenetic location: 14q11.2.
Variant type: single nucleotide variant.
Coding change: c.647T>G on transcript NM_000257.4 (MANE Select); coding-DNA position 647, T replaced by G.
Protein change: p.Leu216Arg; replaces leucine 216 with arginine.
Molecular consequence: missense variant.
Genome position (GRCh38, 1-based): chr14:23,431,670, A>C on the plus strand (T>G on the coding strand, the complement: MYH7 is on the minus strand). VCF-style: chr14-23431670-A-C. GRCh37 (hg19) VCF-style: chr14-23900879-A-C.
Other names: short protein forms L216R.
Identifiers: ClinVar variation 1316454 (VCV001316454.2), dbSNP rs1892948213, ClinGen allele CA389052338.

ClinVar aggregate classification (germline): Uncertain significance (1 of 4 stars; one submission).

Submission:

GeneDx
Classification: Uncertain significance. Last evaluated: 2019-10-21. Review status: criteria provided, single submitter. Criteria: GeneDx Variant Classification Process June 2021. Collection method: clinical testing. Allele origin: germline. Affected: yes.
Comment: Has not been previously published as pathogenic or benign to our knowledge; Not observed in large population cohorts (Lek et al., 2016); In silico analysis, which includes protein predictors and evolutionary conservation, supports a deleterious effect